The following is an entry in ClinVar:

NM_000501.4(ELN):c.602G>C (p.Gly201Ala)

Gene: ELN (elastin; plus strand). Cytogenetic location: 7q11.23.
Variant type: single nucleotide variant.
Coding change: c.602G>C on transcript NM_000501.4 (MANE Select); coding-DNA position 602, G replaced by C.
Protein change: p.Gly201Ala; replaces glycine 201 with alanine.
Molecular consequence: missense variant.
Genome position (GRCh38, 1-based): chr7:74,046,726, G>C. VCF-style: chr7-74046726-G-C. GRCh37 (hg19) VCF-style: chr7-73461056-G-C.
Other names: c.572G>C, p.Gly191Ala (NM_001081752.3, NM_001278917.2); c.617G>C, p.Gly206Ala (NM_001081753.3, NM_001081754.3); c.602G>C, p.Gly201Ala (NM_001081755.3, NM_001278912.2, NM_001278915.2 and 2 more transcripts); c.536G>C, p.Gly179Ala (NM_001278913.2); c.587G>C, p.Gly196Ala (NM_001278914.2); c.470G>C, p.Gly157Ala (NM_001278918.2); short protein forms G157A, G179A, G191A, G196A, G201A, G206A.
Identifiers: ClinVar variation 1001808 (VCV001001808.8), dbSNP rs1792623793, ClinGen allele CA367870263.

ClinVar aggregate classification (germline): Uncertain significance (1 of 4 stars; one submission).

Conditions:
Supravalvar aortic stenosis (SVAS). Also called: Supravalvar aortic stenosis, Eisenberg type. Identifiers: Orphanet 3193, MedGen C0003499, MONDO:0008504, OMIM 185500, HP:0004381.

Submission:

Labcorp Genetics (formerly Invitae), Labcorp
Classification: Uncertain significance for Supravalvar aortic stenosis. Last evaluated: 2021-06-21. Review status: criteria provided, single submitter. Criteria: Invitae Variant Classification Sherloc (09022015). Collection method: clinical testing. Allele origin: germline.
Comment: Algorithms developed to predict the effect of missense changes on protein structure and function are either unavailable or do not agree on the potential impact of this missense change (SIFT: "Deleterious"; PolyPhen-2: "Not Available"; Align-GVGD: "Class C0"). In summary, the available evidence is currently insufficient to determine the role of this variant in disease. Therefore, it has been classified as a Variant of Uncertain Significance. This variant has not been reported in the literature in individuals with ELN-related conditions. This variant is not present in population databases (ExAC no frequency). This sequence change replaces glycine with alanine at codon 201 of the ELN protein (p.Gly201Ala). The glycine residue is highly conserved and there is a small physicochemical difference between glycine and alanine.